The following is an entry in ClinVar:

ClinVar aggregate classification (germline): Conflicting classifications of pathogenicity. Review status: criteria provided, conflicting classifications (1 of 4 stars). 2 submissions from 2 submitters: Uncertain significance (1); Likely benign (1). Last evaluated 2025-09-22.

Conditions:
Cardiovascular phenotype. Identifiers: MedGen CN230736.
Long QT syndrome (LQTS). Identifiers: MedGen C0023976, MeSH D008133, MONDO:0002442. Disease mechanism: loss of function. Inheritance: Various modes of inheritance.

gnomAD v4.1: 21 of 1,613,498 alleles (0.0013%); highest among the groups gnomAD compares: Non-Finnish European, 0.0017%; no homozygotes.

Submissions (2):

Labcorp Genetics (formerly Invitae), Labcorp
Classification: Uncertain significance for Long QT syndrome. Last evaluated: 2025-09-22. Review status: criteria provided, single submitter. Criteria: Invitae Variant Classification Sherloc (09022015). Collection method: clinical testing. Allele origin: germline.
Comment: This sequence change replaces alanine, which is neutral and non-polar, with valine, which is neutral and non-polar, at codon 1743 of the AKAP9 protein (p.Ala1743Val). This variant is present in population databases (no rsID available, gnomAD 0.003%). This variant has not been reported in the literature in individuals affected with AKAP9-related conditions. ClinVar contains an entry for this variant (Variation ID: 3849162). An algorithm developed to predict the effect of missense changes on protein structure and function (PolyPhen-2) suggests that this variant is likely to be tolerated. In summary, the available evidence is currently insufficient to determine the role of this variant in disease. Therefore, it has been classified as a Variant of Uncertain Significance.

Ambry Genetics
Classification: Likely benign for Cardiovascular phenotype. Last evaluated: 2025-02-05. Review status: criteria provided, single submitter. Criteria: Ambry Variant Classification Scheme 2023. Collection method: clinical testing. Allele origin: germline.

NM_005751.5(AKAP9):c.5228C>T (p.Ala1743Val)

Gene: AKAP9 (A-kinase anchoring protein 9; plus strand). Cytogenetic location: 7q21.2.
Variant type: single nucleotide variant.
Coding change: c.5228C>T on transcript NM_005751.5 (MANE Select); coding-DNA position 5228, C replaced by T.
Protein change: p.Ala1743Val; replaces alanine 1743 with valine.
Molecular consequence: missense variant.
Genome position (GRCh38, 1-based): chr7:92,045,073, C>T. VCF-style: chr7-92045073-C-T. GRCh37 (hg19) VCF-style: chr7-91674387-C-T.
Other names: c.5228C>T, p.Ala1743Val (NM_147185.3); short protein forms A1743V.
Identifiers: ClinVar variation 3849162 (VCV003849162.2).